The following is an entry in ClinVar:

NM_153240.5(NPHP3):c.1525-316A>G

Genes: NPHP3 (nephrocystin 3; minus strand), NPHP3-ACAD11 (NPHP3-ACAD11 readthrough (NMD candidate); minus strand). Cytogenetic location: 3q22.1.
Variant type: single nucleotide variant.
Coding change: c.1525-316A>G on transcript NM_153240.5 (MANE Select); 316 bases into the intron before coding-DNA position 1525, A replaced by G.
Molecular consequence: intron variant.
Genome position (GRCh38, 1-based): chr3:132,701,849, T>C on the plus strand (A>G on the coding strand, the complement: NPHP3 is on the minus strand). VCF-style: chr3-132701849-T-C. GRCh37 (hg19) VCF-style: chr3-132420693-T-C.
Identifiers: ClinVar variation 668926 (VCV000668926.1), dbSNP rs11717312, ClinGen allele CA83593915.
Genomic context (GRCh38, chr3:132,701,849, plus strand): 5'-GAGGCGGGTGGATCATGAGGTCAGGAGATCGAGAACATCCTGGCTAACACGGTGAAATCC[T>C]GTCTCTACTAAAAATACAAAAACAAAATTAGCCGAGCGTGGTGGCGGGCGCCTGTAGTCC-3'

ClinVar aggregate classification (germline): Benign (1 of 4 stars; one submission).

Allele frequency attached by ClinVar (database versions not stated): 1000 Genomes Project 30x 0.01359; 1000 Genomes Project 0.01458; TOPMed 0.01949; gnomAD 0.02291 and 0.02368.
gnomAD v4.1: 3,480 of 152,226 alleles (2.3%); highest among the groups gnomAD compares: Non-Finnish European, 2.8%; 49 homozygotes.

Submission:

GeneDx
Classification: Benign. Last evaluated: 2018-06-14. Review status: criteria provided, single submitter. Criteria: GeneDx Variant Classification (06012015). Collection method: clinical testing. Allele origin: germline. Affected: yes.
Comment: This variant is considered likely benign or benign based on one or more of the following criteria: it is a conservative change, it occurs at a poorly conserved position in the protein, it is predicted to be benign by multiple in silico algorithms, and/or has population frequency not consistent with disease.